The following is an entry in ClinVar:

NM_001371928.1(AHDC1):c.3204C>G (p.Tyr1068Ter)

Gene: AHDC1 (AT-hook DNA binding motif containing 1; minus strand). Cytogenetic location: 1p36.11.
Variant type: single nucleotide variant.
Coding change: c.3204C>G on transcript NM_001371928.1 (MANE Select); coding-DNA position 3204, C replaced by G.
Protein change: p.Tyr1068Ter; replaces tyrosine 1068 with a stop codon.
Molecular consequence: nonsense.
Genome position (GRCh38, 1-based): chr1:27,548,912, G>C on the plus strand (C>G on the coding strand, the complement: AHDC1 is on the minus strand). VCF-style: chr1-27548912-G-C. GRCh37 (hg19) VCF-style: chr1-27875423-G-C.
Other names: c.3204C>G, p.Tyr1068Ter (NM_001029882.3); short protein forms Y1068*.
Identifiers: ClinVar variation 546264 (VCV000546264.4), dbSNP rs1036650716, ClinGen allele CA339227905.
Genomic context (GRCh38, chr1:27,548,912, plus strand): 5'-GGAGGAGGAGGCGGCAGAGGCTGCAGAGGTGGCAGAGGCTGTGGTGCCCTTGGGTACCAT[G>C]TAGCCACCGGGCGAGACTGTGCTGGCCCGGCTGTCACAGCGCAGGGGCGTGGGGGCTGAA-3'

ClinVar aggregate classification (germline): Pathogenic. Review status: criteria provided, single submitter (1 of 4 stars). 2 submissions from 2 submitters: Pathogenic (1). 1 of the submissions does not count toward it. Last evaluated 2018-05-17.

Conditions:
AHDC1-related intellectual disability - obstructive sleep apnea - mild dysmorphism syndrome. Also called: Xia-Gibbs syndrome. Identifiers: Orphanet 412069, MedGen C4014419, MONDO:0014358, OMIM 615829.

Submissions (2):

GeneDx
Classification: Pathogenic. Last evaluated: 2018-05-17. Review status: criteria provided, single submitter. Criteria: GeneDx Variant Classification (06012015). Collection method: clinical testing. Allele origin: germline. Affected: yes.
Comment: The Y1068X variant in the AHDC1 gene has not been reported previously as a pathogenic variant nor as a benign variant, to our knowledge. This variant is predicted to cause loss of normal protein function through protein truncation. The Y1068X variant is not observed in large population cohorts (Lek et al., 2016). We interpret Y1068X as a pathogenic variant.

Human Genome Sequencing Center Clinical Lab, Baylor College of Medicine
Classification: Pathogenic for AHDC1-related intellectual disability - obstructive sleep apnea - mild dysmorphism syndrome. Review status: no assertion criteria provided. Collection method: clinical testing. Allele origin: de novo. Affected: yes. Not counted in ClinVar's aggregate classification.